The following is an entry in ClinVar:

NM_016239.4(MYO15A):c.7399C>T (p.Arg2467Trp)

Gene: MYO15A (myosin XVA; plus strand). Cytogenetic location: 17p11.2.
Variant type: single nucleotide variant.
Coding change: c.7399C>T on transcript NM_016239.4 (MANE Select); coding-DNA position 7399, C replaced by T.
Protein change: p.Arg2467Trp; replaces arginine 2467 with tryptophan.
Molecular consequence: missense variant.
Genome position (GRCh38, 1-based): chr17:18,150,839, C>T. VCF-style: chr17-18150839-C-T. GRCh37 (hg19) VCF-style: chr17-18054153-C-T.
Other names: c.7399C>T (NM_016239.3); short protein forms R2467W.
Identifiers: ClinVar variation 2144787 (VCV002144787.2), dbSNP rs1322880313, ClinGen allele CA398618255.

ClinVar aggregate classification (germline): Uncertain significance. Review status: criteria provided, multiple submitters, no conflicts (2 of 4 stars). 2 submissions from 2 submitters: Uncertain significance (2). Last evaluated 2024-06-07.

Allele frequency attached by ClinVar (database versions not stated): gnomAD 0.00001; TOPMed 0.00002.
gnomAD v4.1: 36 of 1,593,494 alleles (0.0023%); highest among the groups gnomAD compares: East Asian, 0.027%; no homozygotes.

Submissions (2):

GeneDx
Classification: Uncertain significance. Last evaluated: 2024-06-07. Review status: criteria provided, single submitter. Criteria: GeneDx Variant Classification Process June 2021. Collection method: clinical testing. Allele origin: germline. Affected: yes.
Comment: Not observed at significant frequency in large population cohorts (gnomAD); In silico analysis supports that this missense variant has a deleterious effect on protein structure/function; Has not been previously published as pathogenic or benign to our knowledge

Labcorp Genetics (formerly Invitae), Labcorp
Classification: Uncertain significance. Last evaluated: 2022-06-08. Review status: criteria provided, single submitter. Criteria: Invitae Variant Classification Sherloc (09022015). Collection method: clinical testing. Allele origin: germline.
Comment: This sequence change replaces arginine, which is basic and polar, with tryptophan, which is neutral and slightly polar, at codon 2467 of the MYO15A protein (p.Arg2467Trp). The frequency data for this variant in the population databases is considered unreliable, as metrics indicate poor data quality at this position in the gnomAD database. This variant has not been reported in the literature in individuals affected with MYO15A-related conditions. Advanced modeling of protein sequence and biophysical properties (such as structural, functional, and spatial information, amino acid conservation, physicochemical variation, residue mobility, and thermodynamic stability) performed at Invitae indicates that this missense variant is not expected to disrupt MYO15A protein function. In summary, the available evidence is currently insufficient to determine the role of this variant in disease. Therefore, it has been classified as a Variant of Uncertain Significance.